The following is an entry in ClinVar:

ClinVar aggregate classification (germline): Benign/Likely benign. Review status: criteria provided, multiple submitters, no conflicts (2 of 4 stars). 13 submissions from 13 submitters: Benign (6); Likely benign (4). 3 of the submissions do not count toward it. Last evaluated 2026-07-01.

Conditions:
FLNB-Related Spectrum Disorders.
Connective tissue disorder. Also called: Connective tissue disease. Identifiers: MedGen C0009782, MONDO:0003900.
Larsen syndrome (LRS). Also called: Bilateral dislocation of the knees, pes cavus, cylindrically shaped fingers and characteristic facies; Larsen syndrome (FLNB-LS). Identifiers: Orphanet 503, MedGen C0175778, MONDO:0007875, OMIM 150250. Disease mechanism: loss of function.

Allele frequency attached by ClinVar (database versions not stated): 1000 Genomes Project 0.00240; 1000 Genomes Project 30x 0.00281; ExAC 0.00651; gnomAD 0.00713 and 0.00739; gnomAD exomes 0.00743 and 0.00965; TOPMed 0.00751; ESP Exome Variant Server 0.00907.
gnomAD v4.1: 15,242 of 1,614,004 alleles (0.94%); highest among the groups gnomAD compares: Non-Finnish European, 1.1%; 109 homozygotes.

Submissions (13):

CeGaT Center for Human Genetics Tuebingen
Classification: Benign. Last evaluated: 2026-07-01. Review status: criteria provided, single submitter. Criteria: CeGaT Center For Human Genetics Tuebingen Variant Classification Criteria Version 2. Collection method: clinical testing. Allele origin: germline. Affected: yes. Observed: 14 variant alleles.
Comment: FLNB: PP3, BS1, BS2

Labcorp Genetics (formerly Invitae), Labcorp
Classification: Benign. Last evaluated: 2026-02-04. Review status: criteria provided, single submitter. Criteria: Invitae Variant Classification Sherloc (09022015). Collection method: clinical testing. Allele origin: germline.

ARUP Laboratories, Molecular Genetics and Genomics, ARUP Laboratories
Classification: Benign. Last evaluated: 2025-02-26. Review status: criteria provided, single submitter. Criteria: ARUP Molecular Germline Variant Investigation Process 2024. Collection method: clinical testing. Allele origin: germline.

Genome Diagnostics Laboratory, The Hospital for Sick Children
Classification: Benign for Connective tissue disorder. Last evaluated: 2021-09-27. Review status: criteria provided, single submitter. Criteria: ACMG Guidelines, 2015. Collection method: clinical testing. Allele origin: germline.

Mendelics
Classification: Likely benign for Larsen syndrome. Last evaluated: 2019-05-28. Review status: criteria provided, single submitter. Criteria: Mendelics Assertion Criteria 2017. Collection method: clinical testing. Allele origin: unknown.

GeneDx
Classification: Benign. Last evaluated: 2018-02-27. Review status: criteria provided, single submitter. Criteria: GeneDx Variant Classification (06012015). Collection method: clinical testing. Allele origin: germline. Affected: yes.
Comment: This variant is considered likely benign or benign based on one or more of the following criteria: it is a conservative change, it occurs at a poorly conserved position in the protein, it is predicted to be benign by multiple in silico algorithms, and/or has population frequency not consistent with disease.

Illumina Laboratory Services, Illumina
Classification: Likely benign for FLNB-Related Spectrum Disorders. Last evaluated: 2018-01-13. Review status: criteria provided, single submitter. Criteria: ICSL Variant Classification Criteria 13 December 2019. Collection method: clinical testing. Allele origin: germline.
Comment: This variant was observed in the ICSL laboratory as part of a predisposition screen in an ostensibly healthy population. It had not been previously curated by ICSL or reported in the Human Gene Mutation Database (HGMD: prior to June 1st, 2018), and was therefore a candidate for classification through an automated scoring system. Utilizing variant allele frequency, disease prevalence and penetrance estimates, and inheritance mode, an automated score was calculated to assess if this variant is too frequent to cause the disease. Based on the score and internal cut-off values, a variant classified as likely benign is not then subjected to further curation. The score for this variant resulted in a classification of likely benign for this disease.

Eurofins Ntd Llc (ga)
Classification: Benign. Last evaluated: 2016-07-28. Review status: criteria provided, single submitter. Criteria: EGL Classification Definitions 2015. Collection method: clinical testing. Allele origin: germline. Observed: 1 variant allele, 1 heterozygote.

Breakthrough Genomics
Classification: Likely benign. Review status: criteria provided, single submitter. Criteria: ACMG Guidelines, 2015. Collection method: not provided. Allele origin: germline. Inheritance: Autosomal recessive inheritance. Affected: yes.

PreventionGenetics, part of Exact Sciences
Classification: Likely benign. Review status: criteria provided, single submitter. Criteria: ACMG Guidelines, 2015. Collection method: clinical testing. Allele origin: germline.

Diagnostic Laboratory, Department of Genetics, University Medical Center Groningen
Classification: Likely benign. Review status: no assertion criteria provided. Collection method: clinical testing. Allele origin: germline. Affected: yes. Study: VKGL Data-share Consensus. Not counted in ClinVar's aggregate classification.

Genome Diagnostics Laboratory, Amsterdam University Medical Center
Classification: Benign. Review status: no assertion criteria provided. Collection method: clinical testing. Allele origin: germline. Affected: yes. Study: VKGL Data-share Consensus. Not counted in ClinVar's aggregate classification.

Laboratory of Diagnostic Genome Analysis, Leiden University Medical Center (LUMC)
Classification: Benign. Review status: no assertion criteria provided. Collection method: clinical testing. Allele origin: germline. Affected: yes. Study: VKGL Data-share Consensus. Not counted in ClinVar's aggregate classification.

NM_001457.4(FLNB):c.6956T>C (p.Ile2319Thr)

Gene: FLNB (filamin B; plus strand). Cytogenetic location: 3p14.3.
Variant type: single nucleotide variant.
Coding change: c.6956T>C on transcript NM_001457.4 (MANE Select); coding-DNA position 6956, T replaced by C.
Protein change: p.Ile2319Thr; replaces isoleucine 2319 with threonine.
Molecular consequence: missense variant.
Genome position (GRCh38, 1-based): chr3:58,159,621, T>C. VCF-style: chr3-58159621-T-C. GRCh37 (hg19) VCF-style: chr3-58145348-T-C.
Other names: c.7049T>C, p.Ile2350Thr (NM_001164317.2); c.6923T>C, p.Ile2308Thr (NM_001164318.2); c.6884T>C, p.Ile2295Thr (NM_001164319.2); short protein forms I2319T, I2350T, I2308T, I2295T.
Identifiers: ClinVar variation 258120 (VCV000258120.57), dbSNP rs116826041, ClinGen allele CA2469544.